The following is an entry in ClinVar:

ClinVar aggregate classification (germline): Uncertain significance (1 of 4 stars; one submission).

Allele frequency attached by ClinVar (database versions not stated): gnomAD exomes below 0.00001; gnomAD 0.00001; TOPMed 0.00001; ExAC 0.00002.
gnomAD v4.1: 5 of 1,613,486 alleles (0.00031%); highest among the groups gnomAD compares: African/African-American, 0.0053%; no homozygotes.

Submission:

Illumina Laboratory Services, Illumina
Classification: Uncertain significance. Last evaluated: 2022-12-20. Review status: criteria provided, single submitter. Criteria: ICSL CNVClassificationCriteria Aug2020. Collection method: clinical testing. Allele origin: unknown. Affected: yes.
Comment: The TBCD c.2630C>G (p.Thr877Ser) missense variant results in the substitution of threonine at amino acid position 877 with serine. To our knowledge, this variant has not been reported in the peer-reviewed literature. This variant is reported in the Genome Aggregation Database in one allele at a frequency of 0.000065 in the African/African American population (version 2.1.1). Molecular dynamics (MD) simulations have shown structural perturbations involving reduced flexibility at residues 836-910 (PMID: 27666370). Based on the available evidence, the c.2630C>G (p.Thr877Ser) variant is classified as a variant of uncertain significance for early-onset progressive encephalopathy with brain atrophy and thin corpus callosum.

Literature cited by the submitters: PubMed 27666370.

NM_005993.5(TBCD):c.2630C>G (p.Thr877Ser)

Gene: TBCD (tubulin folding cofactor D). Cytogenetic location: 17q25.3.
Variant type: single nucleotide variant.
Coding change: c.2630C>G on transcript NM_005993.5 (MANE Select); coding-DNA position 2630, C replaced by G.
Protein change: p.Thr877Ser; replaces threonine 877 with serine.
Molecular consequence: missense variant.
Genome position (GRCh38, 1-based): chr17:82,927,925, C>G. VCF-style: chr17-82927925-C-G. GRCh37 (hg19) VCF-style: chr17-80885801-C-G.
Other names: c.2579C>G, p.Thr860Ser (NM_001411101.1); c.2549C>G, p.Thr850Ser (NM_001411102.1); short protein forms T850S, T860S, T877S.
Identifiers: ClinVar variation 2429435 (VCV002429435.3), dbSNP rs745667667, ClinGen allele CA8863168.